The following is an entry in ClinVar:

NM_001379286.1(ZNF423):c.2133G>A (p.Ser711=)

Gene: ZNF423 (zinc finger protein 423; minus strand). Cytogenetic location: 16q12.1.
Variant type: single nucleotide variant.
Coding change: c.2133G>A on transcript NM_001379286.1 (MANE Select); coding-DNA position 2133, G replaced by A.
Protein change: p.Ser711=; no amino-acid change (serine 711 retained).
Molecular consequence: synonymous variant.
Genome position (GRCh38, 1-based): chr16:49,637,043, C>T on the plus strand (G>A on the coding strand, the complement: ZNF423 is on the minus strand). VCF-style: chr16-49637043-C-T. GRCh37 (hg19) VCF-style: chr16-49670954-C-T.
Other names: c.1929G>A, p.Ser643= (NM_001271620.2); c.1758G>A, p.Ser586= (NM_001330533.2); c.2109G>A, p.Ser703= (NM_015069.5).
Identifiers: ClinVar variation 260525 (VCV000260525.44), dbSNP rs143934881, ClinGen allele CA8046560.

ClinVar aggregate classification (germline): Benign/Likely benign. Review status: criteria provided, multiple submitters, no conflicts (2 of 4 stars). 7 submissions from 7 submitters: Benign (2); Likely benign (3). 2 of the submissions do not count toward it. Last evaluated 2026-09-01.

Conditions:
Nephronophthisis 14 (NPHP14). Identifiers: Orphanet 2318, MedGen C3539071, MONDO:0013916, OMIM 614844.

Allele frequency attached by ClinVar (database versions not stated): 1000 Genomes Project 30x 0.00078; 1000 Genomes Project 0.00080; gnomAD 0.00216 and 0.00221; TOPMed 0.00217; gnomAD exomes 0.00218; ExAC 0.00244; ESP Exome Variant Server 0.00292.
gnomAD v4.1: 6,076 of 1,613,930 alleles (0.38%); highest among the groups gnomAD compares: Non-Finnish European, 0.48%; 12 homozygotes.

Submissions (7):

CeGaT Center for Human Genetics Tuebingen
Classification: Likely benign. Last evaluated: 2026-09-01. Review status: criteria provided, single submitter. Criteria: CeGaT Center For Human Genetics Tuebingen Variant Classification Criteria Version 2. Collection method: clinical testing. Allele origin: germline. Affected: yes. Observed: 16 variant alleles.
Comment: ZNF423: BP4, BP7

Labcorp Genetics (formerly Invitae), Labcorp
Classification: Benign for Nephronophthisis 14. Last evaluated: 2026-01-29. Review status: criteria provided, single submitter. Criteria: Invitae Variant Classification Sherloc (09022015). Collection method: clinical testing. Allele origin: germline.

Blueprint Genetics
Classification: Likely benign. Last evaluated: 2024-11-27. Review status: criteria provided, single submitter. Criteria: ACMG Guidelines, 2015. Collection method: clinical testing. Allele origin: germline.

Genome-Nilou Lab
Classification: Benign for Nephronophthisis 14. Last evaluated: 2021-12-05. Review status: criteria provided, single submitter. Criteria: ACMG Guidelines, 2015. Collection method: clinical testing. Allele origin: germline. Affected: no.

PreventionGenetics, part of Exact Sciences
Classification: Likely benign. Review status: criteria provided, single submitter. Criteria: ACMG Guidelines, 2015. Collection method: clinical testing. Allele origin: germline.

Clinical Genetics DNA and cytogenetics Diagnostics Lab, Erasmus MC, Erasmus Medical Center
Classification: Likely benign. Review status: no assertion criteria provided. Collection method: clinical testing. Allele origin: germline. Affected: yes. Study: VKGL Data-share Consensus. Not counted in ClinVar's aggregate classification.

Clinical Genetics, Academic Medical Center
Classification: Likely benign. Review status: no assertion criteria provided. Collection method: clinical testing. Allele origin: germline. Affected: yes. Study: VKGL Data-share Consensus. Not counted in ClinVar's aggregate classification.